The following is an entry in ClinVar:

ClinVar aggregate classification (germline): Likely benign. Review status: criteria provided, multiple submitters, no conflicts (2 of 4 stars). 5 submissions from 5 submitters: Likely benign (5). Last evaluated 2025-11-01.

Conditions:
Cardiovascular phenotype. Identifiers: MedGen CN230736.
Myofibrillar myopathy 5. Also called: Filaminopathy (type); FILAMINOPATHY, AUTOSOMAL DOMINANT. Identifiers: Orphanet 171445, MedGen C1836050, MONDO:0012289, OMIM 609524.
Hypertrophic cardiomyopathy 26. Also called: Cardiomyopathy, familial hypertrophic, 26. Identifiers: Orphanet 75249, MedGen C4310749, MONDO:0014883, OMIM 617047.
Distal myopathy with posterior leg and anterior hand involvement. Also called: WILLIAMS DISTAL MYOPATHY. Identifiers: Orphanet 63273, MedGen C3279722, MONDO:0013550, OMIM 614065.

Allele frequency attached by ClinVar (database versions not stated): ExAC 0.00001; gnomAD 0.00001; gnomAD exomes 0.00001; TOPMed 0.00002.
gnomAD v4.1: 12 of 1,613,506 alleles (0.00074%); highest among the groups gnomAD compares: Non-Finnish European, 0.00093%; no homozygotes.

Submissions (5):

CeGaT Center for Human Genetics Tuebingen
Classification: Likely benign. Last evaluated: 2025-11-01. Review status: criteria provided, single submitter. Criteria: CeGaT Center For Human Genetics Tuebingen Variant Classification Criteria Version 2. Collection method: clinical testing. Allele origin: germline. Affected: yes. Observed: 1 variant allele.
Comment: FLNC: BP4, BP7

Labcorp Genetics (formerly Invitae), Labcorp
Classification: Likely benign for Distal myopathy with posterior leg and anterior hand involvement; Myofibrillar myopathy 5; Hypertrophic cardiomyopathy 26. Last evaluated: 2025-08-11. Review status: criteria provided, single submitter. Criteria: Invitae Variant Classification Sherloc (09022015). Collection method: clinical testing. Allele origin: germline.

Blueprint Genetics
Classification: Likely benign. Last evaluated: 2024-08-23. Review status: criteria provided, single submitter. Criteria: ACMG Guidelines, 2015. Collection method: clinical testing. Allele origin: germline.

Phosphorus, Inc.
Classification: Likely benign. Last evaluated: 2022-01-13. Review status: criteria provided, single submitter. Criteria: ACMG Guidelines, 2015. Collection method: clinical testing. Allele origin: germline. Inheritance: Autosomal dominant inheritance.
Comment: This synonymous variant has an entry in ClinVar (1138049) NM_001458.5 (FLNC): c.6123C>T (p.Ala2041=) and has occurred in GnomAD with a total MAF of 0.0008% and highest MAF of 0.0018% in the European population (NM_001458.4). This position is not conserved. In silico splicing algorithm was unavailable, however it is not predicted to impact splicing due to its distance from the splice site. No functional studies were performed to confirm this prediction. The variant has not occurred in literature associated with disease. Considering the above evidence, this variant has been classified as Likely Benign.

Ambry Genetics
Classification: Likely benign for Cardiovascular phenotype. Last evaluated: 2021-07-30. Review status: criteria provided, single submitter. Criteria: Ambry Variant Classification Scheme 2023. Collection method: clinical testing. Allele origin: germline.

NM_001458.5(FLNC):c.6123C>T (p.Ala2041=)

Genes: FLNC-AS1 (FLNC antisense RNA 1; minus strand), FLNC (filamin C; plus strand). Cytogenetic location: 7q32.1.
Variant type: single nucleotide variant.
Coding change: c.6123C>T on transcript NM_001458.5 (MANE Select); coding-DNA position 6123, C replaced by T.
Protein change: p.Ala2041=; no amino-acid change (alanine 2041 retained).
Molecular consequence: synonymous variant.
Genome position (GRCh38, 1-based): chr7:128,852,946, C>T. VCF-style: chr7-128852946-C-T. GRCh37 (hg19) VCF-style: chr7-128493000-C-T.
Other names: c.6024C>T, p.Ala2008= (NM_001127487.2).
Identifiers: ClinVar variation 1138049 (VCV001138049.19), dbSNP rs769675272, ClinGen allele CA4475893.